The following is an entry in ClinVar:

NM_000235.4(LIPA):c.394C>G (p.Leu132Val)

Gene: LIPA (lipase A, lysosomal acid type; minus strand). Cytogenetic location: 10q23.31.
Variant type: single nucleotide variant.
Coding change: c.394C>G on transcript NM_000235.4 (MANE Select); coding-DNA position 394, C replaced by G.
Protein change: p.Leu132Val; replaces leucine 132 with valine.
Molecular consequence: missense variant.
Genome position (GRCh38, 1-based): chr10:89,228,234, G>C on the plus strand (C>G on the coding strand, the complement: LIPA is on the minus strand). VCF-style: chr10-89228234-G-C. GRCh37 (hg19) VCF-style: chr10-90987991-G-C.
Other names: c.394C>G, p.Leu132Val (NM_001127605.3); c.46C>G, p.Leu16Val (NM_001288979.2); short protein forms L132V, L16V.
Identifiers: ClinVar variation 2536029 (VCV002536029.3), dbSNP rs746967258, ClinGen allele CA211369801.

ClinVar aggregate classification (germline): Uncertain significance (1 of 4 stars; one submission).

Conditions:
Cardiovascular phenotype. Identifiers: MedGen CN230736.

gnomAD v4.1: 13 of 1,614,116 alleles (0.00081%); highest among the groups gnomAD compares: Non-Finnish European, 0.001%; no homozygotes.

Submission:

Ambry Genetics
Classification: Uncertain significance for Cardiovascular phenotype. Last evaluated: 2025-09-28. Review status: criteria provided, single submitter. Criteria: Ambry Variant Classification Scheme 2023. Collection method: clinical testing. Allele origin: germline.
Comment: The p.L132V variant (also known as c.394C>G), located in coding exon 3 of the LIPA gene, results from a C to G substitution at nucleotide position 394. The leucine at codon 132 is replaced by valine, an amino acid with highly similar properties. This amino acid position is conserved. In addition, the in silico prediction for this alteration is inconclusive. Based on the available evidence, the clinical significance of this variant remains unclear.